The following is an entry in ClinVar:

ClinVar aggregate classification (germline): Conflicting classifications of pathogenicity. Review status: criteria provided, conflicting classifications (1 of 4 stars). 3 submissions from 3 submitters: Uncertain significance (2); Likely benign (1). Last evaluated 2026-05-12.

Conditions:
Primary dilated cardiomyopathy (DCM). Also called: Dilated Cardiomyopathy. Identifiers: Orphanet 217604, MedGen C0007193, MeSH D002311, MONDO:0005021, HP:0001644. Inheritance: Various modes of inheritance.

Allele frequency attached by ClinVar (database versions not stated): gnomAD 0.00001; ExAC 0.00002; TOPMed 0.00001.
gnomAD v4.1: 18 of 1,597,602 alleles (0.0011%); highest among the groups gnomAD compares: Admixed American, 0.023%; no homozygotes.

Submissions (3):

Women's Health and Genetics/Laboratory Corporation of America, LabCorp
Classification: Likely benign. Last evaluated: 2026-05-12. Review status: criteria provided, single submitter. Criteria: LabCorp Variant Classification Summary - May 2015. Collection method: clinical testing. Allele origin: germline.
Comment: Variant summary: NEBL c.1732C>T (p.Pro578Ser) results in a non-conservative amino acid change in the encoded protein sequence. Algorithms developed to predict the effect of missense changes on protein structure and function are either unavailable or do not agree on the potential impact of this missense change. The variant allele was found at a frequency of 4.8e-05 in 250614 control chromosomes. The observed variant frequency exceeds the estimated maximal expected allele frequency for disease-causing variants in NEBL. To our knowledge, no occurrence of c.1732C>T in individuals affected with NEBL-related conditions and no experimental evidence demonstrating its impact on protein function have been reported. ClinVar contains an entry for this variant (Variation ID: 2079686). Based on the evidence outlined above, the variant was classified as likely benign.

Ambry Genetics
Classification: Uncertain significance. Last evaluated: 2024-05-22. Review status: criteria provided, single submitter. Criteria: Ambry Variant Classification Scheme 2023. Collection method: clinical testing. Allele origin: germline.
Comment: The p.P578S variant (also known as c.1732C>T), located in coding exon 17 of the NEBL gene, results from a C to T substitution at nucleotide position 1732. The proline at codon 578 is replaced by serine, an amino acid with similar properties. This amino acid position is conserved. In addition, the in silico prediction for this alteration is inconclusive. Based on the available evidence, the clinical significance of this variant remains unclear.

Labcorp Genetics (formerly Invitae), Labcorp
Classification: Uncertain significance for Primary dilated cardiomyopathy. Last evaluated: 2022-10-22. Review status: criteria provided, single submitter. Criteria: Invitae Variant Classification Sherloc (09022015). Collection method: clinical testing. Allele origin: germline.
Comment: This sequence change replaces proline, which is neutral and non-polar, with serine, which is neutral and polar, at codon 578 of the NEBL protein (p.Pro578Ser). This variant is present in population databases (rs767675377, gnomAD 0.03%), and has an allele count higher than expected for a pathogenic variant. This variant has not been reported in the literature in individuals affected with NEBL-related conditions. Algorithms developed to predict the effect of missense changes on protein structure and function are either unavailable or do not agree on the potential impact of this missense change (SIFT: "Deleterious"; PolyPhen-2: "Probably Damaging"; Align-GVGD: "Class C0"). In summary, the available evidence is currently insufficient to determine the role of this variant in disease. Therefore, it has been classified as a Variant of Uncertain Significance.

NM_006393.3(NEBL):c.1732C>T (p.Pro578Ser)

Gene: NEBL (nebulette; minus strand). Cytogenetic location: 10p12.31.
Variant type: single nucleotide variant.
Coding change: c.1732C>T on transcript NM_006393.3 (MANE Select); coding-DNA position 1732, C replaced by T.
Protein change: p.Pro578Ser; replaces proline 578 with serine.
Molecular consequence: missense variant. On other transcripts: intron variant (9).
Genome position (GRCh38, 1-based): chr10:20,828,574, G>A on the plus strand (C>T on the coding strand, the complement: NEBL is on the minus strand). VCF-style: chr10-20828574-G-A. GRCh37 (hg19) VCF-style: chr10-21117503-G-A.
Other names: c.250-15634C>T (NM_001377326.1, NM_001377327.1, NM_001377328.1); c.358-15634C>T (NM_213569.2, NM_001173484.2, NM_001377322.1); c.301-15634C>T (NM_001377324.1); c.292-15634C>T (NM_001377325.1); c.310-15634C>T (NM_001377323.1); short protein forms P578S.
Identifiers: ClinVar variation 2079686 (VCV002079686.7), dbSNP rs767675377, ClinGen allele CA5432763.
Genomic context (GRCh38, chr10:20,828,574, plus strand): 5'-AGTAATGGCTACTCACCGCACTAATGTTTTGTTGAGTTGTCTTAATTCTCTGAATTTCAG[G>A]AGTATCTGCTATGGTAGAATAGTTAGAAAGCATCTTCTCTGCTTCATCTTTATACTTTCT-3'
Protein context (NP_006384.1, residues 568-588): LSNYSTIADT[Pro578Ser]EIQRIKTTQQ